The following is an entry in ClinVar:

NM_183075.3(CYP2U1):c.1456G>A (p.Gly486Arg)

Gene: CYP2U1 (cytochrome P450 family 2 subfamily U member 1; plus strand). Cytogenetic location: 4q25.
Variant type: single nucleotide variant.
Coding change: c.1456G>A on transcript NM_183075.3 (MANE Select); coding-DNA position 1456, G replaced by A.
Protein change: p.Gly486Arg; replaces glycine 486 with arginine.
Molecular consequence: missense variant.
Genome position (GRCh38, 1-based): chr4:107,949,517, G>A. VCF-style: chr4-107949517-G-A. GRCh37 (hg19) VCF-style: chr4-108870673-G-A.
Other names: short protein forms G486R.
Identifiers: ClinVar variation 3896832 (VCV003896832.1).

ClinVar aggregate classification (germline): Uncertain significance (1 of 4 stars; one submission).

Conditions:
Hereditary spastic paraplegia 56. Also called: Spastic paraplegia 56, autosomal recessive; SPASTIC PARAPLEGIA 56, AUTOSOMAL RECESSIVE, WITH OR WITHOUT PSEUDOXANTHOMA ELASTICUM; Spastic Paraplegia 56. Identifiers: Orphanet 320411, MedGen C3539507, MONDO:0014015, OMIM 615030.

gnomAD v4.1: 6 of 1,539,496 alleles (0.00039%); highest among the groups gnomAD compares: Non-Finnish European, 0.00044%; no homozygotes.

Submission:

Kariminejad - Najmabadi Pathology & Genetics Center
Classification: Uncertain significance for Hereditary spastic paraplegia 56. Last evaluated: 2020-02-06. Review status: criteria provided, single submitter. Criteria: ACMG Guidelines, 2015. Collection method: clinical testing. Allele origin: germline. Inheritance: Autosomal recessive inheritance. Affected: yes.
Comment: PM2,PP3